The following is an entry in ClinVar:

ClinVar aggregate classification (germline): Pathogenic (1 of 4 stars; one submission).

Submission:

GeneDx
Classification: Pathogenic. Last evaluated: 2018-05-04. Review status: criteria provided, single submitter. Criteria: GeneDx Variant Classification (06012015). Collection method: clinical testing. Allele origin: germline. Affected: yes.
Comment: The c.4785_4788delAGCA variant in the CHD8 gene has not been reported previously as a pathogenic variant nor as a benign variant, to our knowledge. The c.4785_4788delAGCA variant causes a frameshift starting with codon Alanine 1596, changes this amino acid to a Lysine residue, and creates a premature Stop codon at position 4 of the new reading frame, denoted p.Ala1596LysfsX4. This variant is predicted to cause loss of normal protein function either through protein truncation or nonsense-mediated mRNA decay. The c.4785_4788delAGCA variant is not observed in large population cohorts (Lek et al., 2016). We interpret c.4785_4788delAGCA as a pathogenic variant.

NM_001170629.2(CHD8):c.4785_4788del (p.Ala1596fs)

Gene: CHD8 (chromodomain helicase DNA binding protein 8; minus strand). Cytogenetic location: 14q11.2.
Variant type: Deletion.
Coding change: c.4785_4788del on transcript NM_001170629.2 (MANE Select); coding-DNA positions 4785 to 4788, 4 bases deleted (AGCA; older notation c.4785_4788delAGCA).
Protein change: p.Ala1596fs; shifts the reading frame from alanine 1596.
Molecular consequence: frameshift variant.
Genome position (GRCh38, 1-based): chr14:21,400,010-21,400,013, TGCT deleted on the plus strand (AGCA on the coding strand, the reverse complement: CHD8 is on the minus strand); deleting any 4 consecutive bases within chr14:21,400,010-21,400,015 gives the same sequence; the c. name uses the placement nearest the transcript's 3' end. VCF-style (leftmost placement, unchanged base first): chr14-21400009-CTGCT-C. GRCh37 (hg19) VCF-style: chr14-21868168-CTGCT-C.
Other names: c.3948_3951del, p.Ala1317fs (NM_020920.4); c.4785_4788delAGCA (NM_001170629.1); short protein forms A1596fs, A1317fs.
Identifiers: ClinVar variation 524149 (VCV000524149.2), dbSNP rs1555314186, ClinGen allele CA658798163.
Genomic context (GRCh38, chr14:21,400,009, plus strand): 5'-GCATAAATCAAAAAAATATAGCAGAATTTTACCTGGCAATCGCACCCCCTAACACCTTTT[CTGCT>C]TGGTCTCCAATAACCTCCTGCCTCAGGTAGTATAGCATTCGTACCCGCAACAGTACCCTA-3'